The following is an entry in ClinVar:

NM_001166114.2(PNPLA6):c.3782G>A (p.Arg1261Gln)

Gene: PNPLA6 (patatin like domain 6, lysophospholipase; plus strand). Cytogenetic location: 19p13.2.
Variant type: single nucleotide variant.
Coding change: c.3782G>A on transcript NM_001166114.2 (MANE Select); coding-DNA position 3782, G replaced by A.
Protein change: p.Arg1261Gln; replaces arginine 1261 with glutamine.
Molecular consequence: missense variant.
Genome position (GRCh38, 1-based): chr19:7,560,730, G>A. VCF-style: chr19-7560730-G-A. GRCh37 (hg19) VCF-style: chr19-7625616-G-A.
Other names: c.3812G>A, p.Arg1271Gln (NM_001166111.2); c.3587G>A, p.Arg1196Gln (NM_001166112.2); c.3668G>A, p.Arg1223Gln (NM_001166113.1, NM_006702.5); short protein forms R1271Q, R1196Q, R1223Q, R1261Q.
Identifiers: ClinVar variation 936970 (VCV000936970.9), dbSNP rs1354670102, ClinGen allele CA403137792.

ClinVar aggregate classification (germline): Uncertain significance. Review status: criteria provided, multiple submitters, no conflicts (2 of 4 stars). 2 submissions from 2 submitters: Uncertain significance (2). Last evaluated 2024-12-16.

Conditions:
Hereditary spastic paraplegia 39 (SPG39). Also called: Spastic Paraplegia Type 39 (SPG39); SPASTIC PARAPLEGIA 39, AUTOSOMAL RECESSIVE. Identifiers: Orphanet 139480, MedGen C2677586, MONDO:0012787, OMIM 612020.

Allele frequency attached by ClinVar (database versions not stated): gnomAD exomes below 0.00001; TOPMed 0.00001.
gnomAD v4.1: 3 of 1,613,310 alleles (0.00019%); highest among the groups gnomAD compares: Non-Finnish European, 0.00025%; no homozygotes.

Submissions (2):

Labcorp Genetics (formerly Invitae), Labcorp
Classification: Uncertain significance for Hereditary spastic paraplegia 39. Last evaluated: 2024-12-16. Review status: criteria provided, single submitter. Criteria: Invitae Variant Classification Sherloc (09022015). Collection method: clinical testing. Allele origin: germline.
Comment: This sequence change replaces arginine, which is basic and polar, with glutamine, which is neutral and polar, at codon 1223 of the PNPLA6 protein (p.Arg1223Gln). This variant is present in population databases (no rsID available, gnomAD 0.0009%). This missense change has been observed in individual(s) with hereditary spastic paraplegia (internal data). ClinVar contains an entry for this variant (Variation ID: 936970). Invitae Evidence Modeling of protein sequence and biophysical properties (such as structural, functional, and spatial information, amino acid conservation, physicochemical variation, residue mobility, and thermodynamic stability) indicates that this missense variant is not expected to disrupt PNPLA6 protein function with a negative predictive value of 80%. This variant disrupts the p.Arg1223 amino acid residue in PNPLA6. Other variant(s) that disrupt this residue have been observed in individuals with PNPLA6-related conditions (PMID: 35069422), which suggests that this may be a clinically significant amino acid residue. In summary, the available evidence is currently insufficient to determine the role of this variant in disease. Therefore, it has been classified as a Variant of Uncertain Significance.

Athena Diagnostics
Classification: Uncertain significance. Last evaluated: 2021-10-29. Review status: criteria provided, single submitter. Criteria: Athena Diagnostics Criteria. Collection method: clinical testing. Allele origin: unknown.

Literature cited by the submitters: PubMed 35069422 (cited by Labcorp Genetics (formerly Invitae), Labcorp).